The following is an entry in ClinVar:

NM_000138.5(FBN1):c.1147+20T>C

Genes: FBN1 (fibrillin 1; minus strand), LOC113939944 (Sharpr-MPRA regulatory region 9539; plus strand). Cytogenetic location: 15q21.1.
Variant type: single nucleotide variant.
Coding change: c.1147+20T>C on transcript NM_000138.5 (MANE Select); 20 bases into the intron after coding-DNA position 1147, T replaced by C.
Molecular consequence: intron variant.
Genome position (GRCh38, 1-based): chr15:48,520,639, A>G on the plus strand (T>C on the coding strand, the complement: FBN1 is on the minus strand). VCF-style: chr15-48520639-A-G. GRCh37 (hg19) VCF-style: chr15-48812836-A-G.
Identifiers: ClinVar variation 513130 (VCV000513130.8), dbSNP rs746088095, ClinGen allele CA043677.

ClinVar aggregate classification (germline): Likely benign. Review status: criteria provided, multiple submitters, no conflicts (2 of 4 stars). 5 submissions from 5 submitters: Likely benign (5). Last evaluated 2026-01-06.

Conditions:
Familial thoracic aortic aneurysm and aortic dissection (TAAD). Also called: Thoracic aortic aneurysms and dissections. Identifiers: Orphanet 91387, MedGen C4707243, MONDO:0019625.
Marfan syndrome (MFS). Also called: Marfan syndrome type 1; Marfan syndrome, classic; Marfan's syndrome; FBN1-Related Marfan Syndrome; MARFAN SYNDROME, TYPE I. Identifiers: Orphanet 284963, Orphanet 558, MedGen C0024796, MONDO:0007947, OMIM 154700.

Allele frequency attached by ClinVar (database versions not stated): ExAC 0.00001; TOPMed 0.00005; gnomAD 0.00002; gnomAD exomes 0.00002.
gnomAD v4.1: 88 of 1,613,468 alleles (0.0055%); highest among the groups gnomAD compares: Non-Finnish European, 0.007%; no homozygotes.

Submissions (5):

Labcorp Genetics (formerly Invitae), Labcorp
Classification: Likely benign for Marfan syndrome; Familial thoracic aortic aneurysm and aortic dissection. Last evaluated: 2026-01-06. Review status: criteria provided, single submitter. Criteria: Invitae Variant Classification Sherloc (09022015). Collection method: clinical testing. Allele origin: germline.

Women's Health and Genetics/Laboratory Corporation of America, LabCorp
Classification: Likely benign. Last evaluated: 2025-06-26. Review status: criteria provided, single submitter. Criteria: LabCorp Variant Classification Summary - May 2015. Collection method: clinical testing. Allele origin: germline.

ARUP Laboratories, Molecular Genetics and Genomics, ARUP Laboratories
Classification: Likely benign. Last evaluated: 2024-03-20. Review status: criteria provided, single submitter. Criteria: ARUP Molecular Germline Variant Investigation Process 2024. Collection method: clinical testing. Allele origin: germline.

Blueprint Genetics
Classification: Likely benign. Last evaluated: 2023-10-25. Review status: criteria provided, single submitter. Criteria: ACMG Guidelines, 2015. Collection method: clinical testing. Allele origin: germline.

GeneDx
Classification: Likely benign. Last evaluated: 2017-11-06. Review status: criteria provided, single submitter. Criteria: GeneDx Variant Classification (06012015). Collection method: clinical testing. Allele origin: germline. Affected: yes.
Comment: This variant is considered likely benign or benign based on one or more of the following criteria: it is a conservative change, it occurs at a poorly conserved position in the protein, it is predicted to be benign by multiple in silico algorithms, and/or has population frequency not consistent with disease.